The following is an entry in ClinVar:

ClinVar aggregate classification (germline): Uncertain significance (1 of 4 stars; one submission).

gnomAD v4.1: 1 of 1,614,236 alleles (0.000062%); highest among the groups gnomAD compares: Non-Finnish European, 0.000085%; no homozygotes.

Submission:

GeneDx
Classification: Uncertain significance. Last evaluated: 2023-03-22. Review status: criteria provided, single submitter. Criteria: GeneDx Variant Classification Process June 2021. Collection method: clinical testing. Allele origin: germline.
Comment: Not observed at significant frequency in large population cohorts (gnomAD); In silico analysis supports that this missense variant has a deleterious effect on protein structure/function; Has not been previously published as pathogenic or benign to our knowledge; Variants in candidate genes are classified as variants of uncertain significance in accordance with ACMG guidelines (Richards et al., 2015)

NM_002332.3(LRP1):c.4454C>T (p.Thr1485Met)

Gene: LRP1 (LDL receptor related protein 1; plus strand). Cytogenetic location: 12q13.3.
Variant type: single nucleotide variant.
Coding change: c.4454C>T on transcript NM_002332.3 (MANE Select); coding-DNA position 4454, C replaced by T.
Protein change: p.Thr1485Met; replaces threonine 1485 with methionine.
Molecular consequence: missense variant.
Genome position (GRCh38, 1-based): chr12:57,178,451, C>T. VCF-style: chr12-57178451-C-T. GRCh37 (hg19) VCF-style: chr12-57572234-C-T.
Other names: short protein forms T1485M.
Identifiers: ClinVar variation 4976341 (VCV004976341.1).